The following is an entry in ClinVar:

ClinVar aggregate classification (germline): Uncertain significance (1 of 4 stars; one submission).

Conditions:
Developmental and epileptic encephalopathy, 7 (DEE7). Also called: KCNQ2-Related Neonatal-Onset Developmental and Epileptic Encephalopathy (NEO-DEE); Early infantile epileptic encephalopathy 7; KCNQ2-Related Neonatal Epileptic Encephalopathy. Identifiers: Orphanet 439218, MedGen C3150986, MONDO:0013387, OMIM 613720.

Submission:

3billion
Classification: Uncertain significance for Developmental and epileptic encephalopathy, 7. Last evaluated: 2022-05-22. Review status: criteria provided, single submitter. Criteria: ACMG Guidelines, 2015. Collection method: clinical testing. Allele origin: germline. Affected: yes. Observed: 1 variant allele.
Comment: The variant is not observed in the gnomAD v2.1.1 dataset. Missense changes are a common disease-causing mechanism. In silico tool predictions suggest damaging effect of the variant on gene or gene product (REVEL: 0.90; 3Cnet: 0.65). Therefore, this variant is classified as uncertain significanceaccording to the recommendation of ACMG/AMP guideline.

NM_172107.4(KCNQ2):c.946T>C (p.Phe316Leu)

Gene: KCNQ2 (potassium voltage-gated channel subfamily Q member 2; minus strand). Cytogenetic location: 20q13.33.
Variant type: single nucleotide variant.
Coding change: c.946T>C on transcript NM_172107.4 (MANE Select); coding-DNA position 946, T replaced by C.
Protein change: p.Phe316Leu; replaces phenylalanine 316 with leucine.
Molecular consequence: missense variant.
Genome position (GRCh38, 1-based): chr20:63,438,702, A>G on the plus strand (T>C on the coding strand, the complement: KCNQ2 is on the minus strand). VCF-style: chr20-63438702-A-G. GRCh37 (hg19) VCF-style: chr20-62070055-A-G.
Other names: c.946T>C, p.Phe316Leu (NM_001382235.1, NM_004518.6, NM_172106.3 and 2 more transcripts); short protein forms F316L.
Identifiers: ClinVar variation 1687237 (VCV001687237.1), dbSNP rs2145712640, ClinGen allele CA409652298.